The following is an entry in ClinVar:

NM_000690.4(ALDH2):c.361-8C>T

Gene: ALDH2 (aldehyde dehydrogenase 2 family member; plus strand). Cytogenetic location: 12q24.12.
Variant type: single nucleotide variant.
Coding change: c.361-8C>T on transcript NM_000690.4 (MANE Select); 8 bases into the intron before coding-DNA position 361, C replaced by T.
Molecular consequence: intron variant.
Genome position (GRCh38, 1-based): chr12:111,785,259, C>T. VCF-style: chr12-111785259-C-T. GRCh37 (hg19) VCF-style: chr12-112223063-C-T.
Other names: c.220-8C>T (NM_001204889.2).
Identifiers: ClinVar variation 3257668 (VCV003257668.17).

ClinVar aggregate classification (germline): Likely benign (1 of 4 stars; one submission).

gnomAD v4.1: 302 of 1,612,480 alleles (0.019%); highest among the groups gnomAD compares: Middle Eastern, 0.83%; no homozygotes.

Submission:

CeGaT Center for Human Genetics Tuebingen
Classification: Likely benign. Last evaluated: 2024-07-01. Review status: criteria provided, single submitter. Criteria: CeGaT Center For Human Genetics Tuebingen Variant Classification Criteria Version 2. Collection method: clinical testing. Allele origin: germline. Affected: yes. Observed: 1 variant allele.
Comment: ALDH2: BP4